The following is an entry in ClinVar:

NM_014484.5(MOCS3):c.674G>C (p.Cys225Ser)

Gene: MOCS3 (molybdenum cofactor synthesis 3; plus strand). Cytogenetic location: 20q13.13.
Variant type: single nucleotide variant.
Coding change: c.674G>C on transcript NM_014484.5 (MANE Select); coding-DNA position 674, G replaced by C.
Protein change: p.Cys225Ser; replaces cysteine 225 with serine.
Molecular consequence: missense variant.
Genome position (GRCh38, 1-based): chr20:50,959,516, G>C. VCF-style: chr20-50959516-G-C. GRCh37 (hg19) VCF-style: chr20-49576053-G-C.
Other names: short protein forms C225S.
Identifiers: ClinVar variation 3006567 (VCV003006567.3), dbSNP rs776242903, ClinGen allele CA315264694.

ClinVar aggregate classification (germline): Uncertain significance (1 of 4 stars; one submission).

Allele frequency attached by ClinVar (database versions not stated): gnomAD exomes below 0.00001.
gnomAD v4.1: 2 of 1,614,086 alleles (0.00012%); highest among the groups gnomAD compares: Non-Finnish European, 0.00017%; no homozygotes.

Submission:

Labcorp Genetics (formerly Invitae), Labcorp
Classification: Uncertain significance. Last evaluated: 2022-12-18. Review status: criteria provided, single submitter. Criteria: Invitae Variant Classification Sherloc (09022015). Collection method: clinical testing. Allele origin: germline.
Comment: In summary, the available evidence is currently insufficient to determine the role of this variant in disease. Therefore, it has been classified as a Variant of Uncertain Significance. Algorithms developed to predict the effect of missense changes on protein structure and function (SIFT, PolyPhen-2, Align-GVGD) all suggest that this variant is likely to be disruptive. This variant has not been reported in the literature in individuals affected with MOCS3-related conditions. This variant is not present in population databases (gnomAD no frequency). This sequence change replaces cysteine, which is neutral and slightly polar, with serine, which is neutral and polar, at codon 225 of the MOCS3 protein (p.Cys225Ser).